The following is an entry in ClinVar:

NM_025081.3(NYNRIN):c.4286G>A (p.Arg1429Gln)

Gene: NYNRIN (NYN domain and retroviral integrase containing; plus strand). Cytogenetic location: 14q12.
Variant type: single nucleotide variant.
Coding change: c.4286G>A on transcript NM_025081.3 (MANE Select); coding-DNA position 4286, G replaced by A.
Protein change: p.Arg1429Gln; replaces arginine 1429 with glutamine.
Molecular consequence: missense variant.
Genome position (GRCh38, 1-based): chr14:24,416,035, G>A. VCF-style: chr14-24416035-G-A. GRCh37 (hg19) VCF-style: chr14-24885241-G-A.
Other names: short protein forms R1429Q.
Identifiers: ClinVar variation 2609498 (VCV002609498.4), dbSNP rs1252835429, ClinGen allele CA389308568.
Genomic context (GRCh38, chr14:24,416,035, plus strand): 5'-GCCTGCTCTCCTACATTATATCCCTCACCTCTGGCCTCTCATCCCTTCCGTTTATCTACC[G>A]AACCTCCTACCGGGGCTCTCTGTTTGCTGTGACAGTGGACACCCTGGCCAAGCAGGGTGC-3'
Protein context (NP_079357.2, residues 1419-1439): SGLSSLPFIY[Arg1429Gln]TSYRGSLFAV

ClinVar aggregate classification (germline): Uncertain significance. Review status: criteria provided, multiple submitters, no conflicts (2 of 4 stars). 2 submissions from 2 submitters: Uncertain significance (2). Last evaluated 2024-04-24.

Allele frequency attached by ClinVar (database versions not stated): gnomAD 0.00001; gnomAD exomes 0.00001; TOPMed 0.00002.
gnomAD v4.1: 20 of 1,613,768 alleles (0.0012%); highest among the groups gnomAD compares: Non-Finnish European, 0.0015%; no homozygotes.

Submissions (2):

Labcorp Genetics (formerly Invitae), Labcorp
Classification: Uncertain significance. Last evaluated: 2024-04-24. Review status: criteria provided, single submitter. Criteria: Invitae Variant Classification Sherloc (09022015). Collection method: clinical testing. Allele origin: germline.
Comment: This sequence change replaces arginine, which is basic and polar, with glutamine, which is neutral and polar, at codon 1429 of the NYNRIN protein (p.Arg1429Gln). This variant is present in population databases (no rsID available, gnomAD 0.0009%). This variant has not been reported in the literature in individuals affected with NYNRIN-related conditions. ClinVar contains an entry for this variant (Variation ID: 2609498). In summary, the available evidence is currently insufficient to determine the role of this variant in disease. Therefore, it has been classified as a Variant of Uncertain Significance.

Ambry Genetics
Classification: Uncertain significance. Last evaluated: 2023-07-05. Review status: criteria provided, single submitter. Criteria: Ambry Variant Classification Scheme 2023. Collection method: clinical testing. Allele origin: germline.